The following is an entry in ClinVar:

ClinVar aggregate classification (germline): Pathogenic (1 of 4 stars; one submission).

Conditions:
Hereditary breast ovarian cancer syndrome. Also called: Breast and ovarian cancer; BRCA1- and BRCA2-Associated Hereditary Breast and Ovarian Cancer; Hereditary breast and ovarian cancer syndrome; Hereditary breast and/or ovarian cancer syndrome; Hereditary breast and ovarian cancer; Hereditary breast and ovarian cancer syndrome (HBOC). Identifiers: Orphanet 145, MedGen C0677776, MeSH D061325, MONDO:0003582. Disease mechanism: loss of function.

Submission:

Labcorp Genetics (formerly Invitae), Labcorp
Classification: Pathogenic for Hereditary breast ovarian cancer syndrome. Last evaluated: 2020-09-30. Review status: criteria provided, single submitter. Criteria: Invitae Variant Classification Sherloc (09022015). Collection method: clinical testing. Allele origin: germline.
Comment: This sequence change creates a premature translational stop signal (p.Arg1325Serfs*11) in the BRCA1 gene. It is expected to result in an absent or disrupted protein product. For these reasons, this variant has been classified as Pathogenic. Loss-of-function variants in BRCA1 are known to be pathogenic (PMID: 20104584). This variant has not been reported in the literature in individuals with BRCA1-related conditions. This variant is not present in population databases (ExAC no frequency).

Literature cited by the submitters: PubMed 20104584.

NM_007294.4(BRCA1):c.3975del (p.Arg1325fs)

Genes: BRCA1 (BRCA1 DNA repair associated; minus strand), LOC126862571 (BRD4-independent group 4 enhancer GRCh37_chr17:41243136-41244335; plus strand). Cytogenetic location: 17q21.31.
Variant type: Deletion.
Coding change: c.3975del on transcript NM_007294.4 (MANE Select); coding-DNA position 3975, one base deleted (G; older notation c.3975delG).
Protein change: p.Arg1325fs; shifts the reading frame from arginine 1325.
Molecular consequence: frameshift variant. On other transcripts: intron variant (135).
Genome position (GRCh38, 1-based): chr17:43,091,556, C deleted on the plus strand (G on the coding strand, the reverse complement: BRCA1 is on the minus strand); the first of 2 consecutive C bases (chr17:43,091,556-43,091,557); deleting either gives the same sequence. VCF-style (leftmost placement, unchanged base first): chr17-43091555-GC-G. GRCh37 (hg19) VCF-style: chr17-41243572-GC-G.
Other names: c.3762del, p.Arg1254fs (NM_001407899.1, NM_001407915.1, NM_001407916.1 and 9 more transcripts); c.3765del, p.Arg1255fs (NM_001407900.1, NM_001407902.1, NM_001407904.1 and 13 more transcripts); c.3711del, p.Arg1237fs (NM_001407923.1, NM_001407924.1, NM_001407929.1 and 9 more transcripts); c.3708del, p.Arg1236fs (NM_001407930.1, NM_001407931.1, NM_001407932.1 and 2 more transcripts); c.3852del, p.Arg1284fs (NM_001407919.1, NM_001407648.1, NM_001407664.1 and 19 more transcripts); c.578-524del (NM_001408489.1, NM_001408479.1, NM_001408482.1 and 9 more transcripts); c.662-524del (NM_001408445.1, NM_001408432.1, NM_001408450.1 and 6 more transcripts); c.668-524del (NM_001408431.1, NM_001408424.1, NM_001408421.1); and 41 more; short protein forms R1278fs, R1325fs, R1157fs, R1197fs, R1236fs, R1299fs, R1324fs, R1029fs.
Identifiers: ClinVar variation 1070111 (VCV001070111.8), dbSNP rs2154271816, ClinGen allele CA2499224446.